The following is an entry in ClinVar:

NM_022124.6(CDH23):c.3250G>T (p.Gly1084Cys)

Genes: C10orf105 (chromosome 10 open reading frame 105; minus strand), CDH23 (cadherin related 23; plus strand). Cytogenetic location: 10q22.1.
Variant type: single nucleotide variant.
Coding change: c.3250G>T on transcript NM_022124.6 (MANE Select); coding-DNA position 3250, G replaced by T.
Protein change: p.Gly1084Cys; replaces glycine 1084 with cysteine.
Molecular consequence: missense variant. On other transcripts: 3 prime UTR variant (2).
Genome position (GRCh38, 1-based): chr10:71,712,694, G>T. VCF-style: chr10-71712694-G-T. GRCh37 (hg19) VCF-style: chr10-73472451-G-T.
Other names: c.*3242C>A (NM_001164375.3, NM_001168390.2); c.3250G>T, p.Gly1084Cys (NM_001171930.2); short protein forms G1084C.
Identifiers: ClinVar variation 420498 (VCV000420498.3), dbSNP rs1064794520, ClinGen allele CA16618980.
Genomic context (GRCh38, chr10:71,712,694, plus strand): 5'-GCTAACACCTGTCTTCCTTCAACTCCCACAGACAACGGCCCTGTAGGGAAGCGACACACG[G>T]GCACAGCCACCGTGTTCGTCACTGTCCTGGATGTGAATGACAACCGGCCCATCTTTCTGC-3'
Protein context (NP_071407.4, residues 1074-1094): DNGPVGKRHT[Gly1084Cys]TATVFVTVLD

ClinVar aggregate classification (germline): Uncertain significance. Review status: criteria provided, single submitter (1 of 4 stars). 2 submissions from 2 submitters: Uncertain significance (1). 1 of the submissions does not count toward it. Last evaluated 2016-03-01.

Conditions:
Usher syndrome type 1 (USH1). Also called: RETINITIS PIGMENTOSA AND CONGENITAL DEAFNESS. Identifiers: Orphanet 231169, Orphanet 886, MedGen C1568247, MONDO:0010168, OMIM 276900.

Submissions (2):

GeneDx
Classification: Uncertain significance. Last evaluated: 2016-03-01. Review status: criteria provided, single submitter. Criteria: GeneDx Variant Classification (06012015). Collection method: clinical testing. Allele origin: germline. Affected: yes.
Comment: The G1084C variant in the CDH23 gene has not been reported previously as a pathogenic variant, nor as a benign variant, to our knowledge. The G1084C variant was not observed in approximately 6,500 individuals of European and African American ancestry in the NHLBI Exome Sequencing Project, indicating it is not a common benign variant in these populations. The G1084C variant is a non-conservative amino acid substitution, which is likely to impact secondary protein structure as these residues differ in polarity, charge, size and/or other properties. This substitution occurs at a position in the cadherin 10 domain that is conserved across species. In silico analysis predicts this variant is probably damaging to the protein structure/function. We interpret G1084C as a variant of uncertain significance.

Natera, Inc.
Classification: Uncertain significance for Usher syndrome type 1. Last evaluated: 2020-09-22. Review status: no assertion criteria provided. Collection method: clinical testing. Allele origin: germline. Not counted in ClinVar's aggregate classification.